The following is an entry in ClinVar:

NM_003579.4(RAD54L):c.619T>A (p.Cys207Ser)

Gene: RAD54L (RAD54 like; plus strand). Cytogenetic location: 1p34.1.
Variant type: single nucleotide variant.
Coding change: c.619T>A on transcript NM_003579.4 (MANE Select); coding-DNA position 619, T replaced by A.
Protein change: p.Cys207Ser; replaces cysteine 207 with serine.
Molecular consequence: missense variant.
Genome position (GRCh38, 1-based): chr1:46,260,868, T>A. VCF-style: chr1-46260868-T-A. GRCh37 (hg19) VCF-style: chr1-46726540-T-A.
Other names: c.619T>A, p.Cys207Ser (NM_001142548.2); c.79T>A, p.Cys27Ser (NM_001370766.1); short protein forms C207S, C27S.
Identifiers: ClinVar variation 2625154 (VCV002625154.2), dbSNP rs2525669493, ClinGen allele CA340186667.

ClinVar aggregate classification (germline): Uncertain significance (1 of 4 stars; one submission).

Submission:

Ambry Genetics
Classification: Uncertain significance. Last evaluated: 2023-07-15. Review status: criteria provided, single submitter. Criteria: Ambry Variant Classification Scheme 2023. Collection method: clinical testing. Allele origin: germline.
Comment: The p.C207S variant (also known as c.619T>A), located in coding exon 7 of the RAD54L gene, results from a T to A substitution at nucleotide position 619. The cysteine at codon 207 is replaced by serine, an amino acid with dissimilar properties. This amino acid position is conserved. In addition, the in silico prediction for this alteration is inconclusive. Since supporting evidence is limited at this time, the clinical significance of this alteration remains unclear.